The following is an entry in ClinVar:

ClinVar aggregate classification (germline): Uncertain significance. Review status: criteria provided, multiple submitters, no conflicts (2 of 4 stars). 3 submissions from 3 submitters: Uncertain significance (3). Last evaluated 2025-12-19.

Conditions:
Hereditary cancer-predisposing syndrome. Also called: Hereditary Cancer Syndrome; Neoplastic Syndromes, Hereditary; Tumor predisposition; Hereditary neoplastic syndrome. Identifiers: Orphanet 140162, MedGen C0027672, MeSH D009386, MONDO:0015356.
Neuroblastoma, susceptibility to, 3. Also called: ALK-Related Neuroblastic Tumor Susceptibility. Identifiers: Orphanet 635, MedGen C2751681, MONDO:0013083, OMIM 613014.

Submissions (3):

Ambry Genetics
Classification: Uncertain significance for Hereditary cancer-predisposing syndrome. Last evaluated: 2025-12-19. Review status: criteria provided, single submitter. Criteria: Ambry Variant Classification Scheme 2023. Collection method: clinical testing. Allele origin: germline.
Comment: The p.N1353S variant (also known as c.4058A>G), located in coding exon 27 of the ALK gene, results from an A to G substitution at nucleotide position 4058. The asparagine at codon 1353 is replaced by serine, an amino acid with highly similar properties. This amino acid position is highly conserved in available vertebrate species. In addition, this alteration is predicted to be tolerated by in silico analysis. Since supporting evidence is limited at this time, the clinical significance of this alteration remains unclear.

Labcorp Genetics (formerly Invitae), Labcorp
Classification: Uncertain significance for Neuroblastoma, susceptibility to, 3. Last evaluated: 2024-04-08. Review status: criteria provided, single submitter. Criteria: Invitae Variant Classification Sherloc (09022015). Collection method: clinical testing. Allele origin: germline.
Comment: This sequence change replaces asparagine, which is neutral and polar, with serine, which is neutral and polar, at codon 1353 of the ALK protein (p.Asn1353Ser). This variant is not present in population databases (gnomAD no frequency). This variant has not been reported in the literature in individuals affected with ALK-related conditions. ClinVar contains an entry for this variant (Variation ID: 1055093). An algorithm developed to predict the effect of missense changes on protein structure and function (PolyPhen-2) suggests that this variant is likely to be tolerated. In summary, the available evidence is currently insufficient to determine the role of this variant in disease. Therefore, it has been classified as a Variant of Uncertain Significance.

GeneDx
Classification: Uncertain significance. Last evaluated: 2023-10-19. Review status: criteria provided, single submitter. Criteria: GeneDx Variant Classification Process June 2021. Collection method: clinical testing. Allele origin: germline. Affected: yes.
Comment: Not observed at significant frequency in large population cohorts (gnomAD); In silico analysis supports that this missense variant has a deleterious effect on protein structure/function; Has not been previously published as pathogenic or benign to our knowledge

NM_004304.5(ALK):c.4058A>G (p.Asn1353Ser)

Gene: ALK (ALK receptor tyrosine kinase; minus strand). Cytogenetic location: 2p23.2.
Variant type: single nucleotide variant.
Coding change: c.4058A>G on transcript NM_004304.5 (MANE Select); coding-DNA position 4058, A replaced by G.
Protein change: p.Asn1353Ser; replaces asparagine 1353 with serine.
Molecular consequence: missense variant.
Genome position (GRCh38, 1-based): chr2:29,197,557, T>C on the plus strand (A>G on the coding strand, the complement: ALK is on the minus strand). VCF-style: chr2-29197557-T-C. GRCh37 (hg19) VCF-style: chr2-29420423-T-C.
Other names: c.854A>G, p.Asn285Ser (NM_001353765.2); short protein forms N1353S, N285S.
Identifiers: ClinVar variation 1055093 (VCV001055093.13), dbSNP rs2148143237, ClinGen allele CA346465839.